The following is an entry in ClinVar:

ClinVar aggregate classification (germline): Uncertain significance (1 of 4 stars; one submission).

Conditions:
ADAMTS13-related disorder. Also called: ADAMTS13-related condition.

Allele frequency attached by ClinVar (database versions not stated): gnomAD exomes below 0.00001.
gnomAD v4.1: 1 of 1,612,652 alleles (0.000062%); highest among the groups gnomAD compares: Non-Finnish European, 0.000085%; no homozygotes.

Submission:

PreventionGenetics, part of Exact Sciences
Classification: Uncertain significance for ADAMTS13-related condition. Last evaluated: 2023-09-08. Review status: criteria provided, single submitter. Criteria: ACMG Guidelines, 2015. Collection method: clinical testing. Allele origin: germline.
Comment: The ADAMTS13 c.2224T>C variant is predicted to result in the amino acid substitution p.Cys742Arg. To our knowledge, this variant has not been reported in the literature or in a large population database, indicating this variant is rare. At this time, the clinical significance of this variant is uncertain due to the absence of conclusive functional and genetic evidence.

NM_139027.6(ADAMTS13):c.2224T>C (p.Cys742Arg)

Gene: ADAMTS13 (ADAM metallopeptidase with thrombospondin type 1 motif 13; plus strand). Cytogenetic location: 9q34.2.
Variant type: single nucleotide variant.
Coding change: c.2224T>C on transcript NM_139027.6 (MANE Select); coding-DNA position 2224, T replaced by C.
Protein change: p.Cys742Arg; replaces cysteine 742 with arginine.
Molecular consequence: missense variant.
Genome position (GRCh38, 1-based): chr9:133,442,733, T>C. VCF-style: chr9-133442733-T-C. GRCh37 (hg19) VCF-style: chr9-136307854-T-C.
Other names: c.2224T>C, p.Cys742Arg (NM_139025.5); c.2131T>C, p.Cys711Arg (NM_139026.6); short protein forms C711R, C742R.
Identifiers: ClinVar variation 2631077 (VCV002631077.1), dbSNP rs2491270388, ClinGen allele CA375397499.